The following is an entry in ClinVar:

NM_001875.5(CPS1):c.3756+45C>T

Gene: CPS1 (carbamoyl-phosphate synthase 1; plus strand). Cytogenetic location: 2q34.
Variant type: single nucleotide variant.
Coding change: c.3756+45C>T on transcript NM_001875.5 (MANE Select); 45 bases into the intron after coding-DNA position 3756, C replaced by T.
Molecular consequence: intron variant.
Genome position (GRCh38, 1-based): chr2:210,658,733, C>T. VCF-style: chr2-210658733-C-T. GRCh37 (hg19) VCF-style: chr2-211523457-C-T.
Other names: c.3756+45C>T (NM_001369257.1, NM_001122633.3, LRG_336t1); c.3789+45C>T (NM_001369256.1).
Identifiers: ClinVar variation 258482 (VCV000258482.9), dbSNP rs6435580, ClinGen allele CA2087069.

ClinVar aggregate classification (germline): Benign. Review status: criteria provided, multiple submitters, no conflicts (2 of 4 stars). 4 submissions from 4 submitters: Benign (4). Last evaluated 2021-07-10.

Conditions:
Congenital hyperammonemia, type I. Also called: Carbamoyl phosphate synthetase 1 deficiency; Hyperammonemia due to carbamoyl phosphate synthetase 1 deficiency; CPS 1 deficiency; Carbamyl phosphate synthetase (CPS) deficiency; Carbamoyl phosphate synthetase I deficiency disease; Carbamoyl-phosphate synthase I deficiency. Identifiers: Orphanet 147, MedGen C4082171, MONDO:0009376, OMIM 237300.

Allele frequency attached by ClinVar (database versions not stated): gnomAD 0.24795 and 0.24723; gnomAD exomes 0.28181 and 0.31300; ExAC 0.28284; 1000 Genomes Project 30x 0.17473; 1000 Genomes Project 0.17532; TOPMed 0.23095; ESP Exome Variant Server 0.25573.
gnomAD v4.1: 421,152 of 1,378,736 alleles (31%); highest among the groups gnomAD compares: Middle Eastern, 36%; 69,467 homozygotes.

Submissions (4):

Genome-Nilou Lab
Classification: Benign for Congenital hyperammonemia, type I. Last evaluated: 2021-07-10. Review status: criteria provided, single submitter. Criteria: ACMG Guidelines, 2015. Collection method: clinical testing. Allele origin: germline. Affected: no.

GeneDx
Classification: Benign. Last evaluated: 2018-06-29. Review status: criteria provided, single submitter. Criteria: GeneDx Variant Classification Process June 2021. Collection method: clinical testing. Allele origin: germline. Affected: yes.

Breakthrough Genomics
Classification: Benign. Review status: criteria provided, single submitter. Criteria: ACMG Guidelines, 2015. Collection method: not provided. Allele origin: germline. Inheritance: Autosomal recessive inheritance. Affected: yes.

PreventionGenetics, part of Exact Sciences
Classification: Benign. Review status: criteria provided, single submitter. Criteria: ACMG Guidelines, 2015. Collection method: clinical testing. Allele origin: germline.